The following is an entry in ClinVar:

ClinVar aggregate classification (germline): Uncertain significance (1 of 4 stars; one submission).

Conditions:
ALG9-associated autosomal dominant polycystic kidney disease. Identifiers: MedGen CN305626, MONDO:0700000.

gnomAD v4.1: 1 of 1,614,064 alleles (0.000062%); highest among the groups gnomAD compares: Non-Finnish European, 0.000085%; no homozygotes.

Submission:

Victorian Clinical Genetics Services, Murdoch Childrens Research Institute
Classification: Uncertain significance for ALG9-associated autosomal dominant polycystic kidney disease. Last evaluated: 2025-01-14. Review status: criteria provided, single submitter. Criteria: ACMG Guidelines, 2015. Collection method: clinical testing. Allele origin: germline. Affected: yes.
Comment: This variant is classified as VUS-3A. Evidence in support of pathogenic classification: Variant is present in gnomAD <0.01 (v4: 1 heterozygote(s), 0 homozygote(s)); Another missense variant comparable to the one identified in this case has limited previous evidence for pathogenicity. p.(Arg370Lys) has been reported in the literature in an individual with polycystic kidney and liver disease and was classified as pathogenic (PMID: 31395617); Missense variant predicted to be damaging by in silico tool(s) or highly conserved with a major amino acid change. Additional information: Variant is predicted to result in a missense amino acid change from arginine to isoleucine; This variant is heterozygous; This gene is associated with both recessive and dominant disease. Biallelic missense variants are associated with congenital disorder of glycosylation, type Il (MIM#608776), whilst biallelic null variants are associated with Gillessen-Kaesbach-Nishimura syndrome (MIM#263210). Heterozygous variants are associated with a form of polycystic kidney disease with incomplete penetrance (PMID: 31395617); Alternative amino acid change(s) at the same position are present in gnomAD (Highest allele count: v2: 1 heterozygote(s), 0 homozygote(s)); This variant has no previous evidence of pathogenicity; No published segregation evidence has been identified for this variant; No published functional evidence has been identified for this variant; Variant is located in the annotated Alg9-like mannosyltransferase domain (DECIPHER); Loss of function is a known mechanism of disease in this gene and is associated with congenital disorder of glycosylation, type Il (MIM#608776), Gillessen-Kaesbach-Nishimura syndrome (MIM#263210) and ALG9-associated autosomal dominant polycystic kidney disease (MONDO:0700000); The condition associated with this gene has incomplete penetrance for ALG9-associated autosomal dominant polycystic kidney disease (PMID: 31395617); Inheritance information for this variant is not currently available in this individual.

Literature cited by the submitters: PubMed 31395617.

NM_024740.2(ALG9):c.1109G>T (p.Arg370Ile)

Gene: ALG9 (ALG9 alpha-1,2-mannosyltransferase; minus strand). Cytogenetic location: 11q23.1.
Variant type: single nucleotide variant.
Coding change: c.1109G>T on transcript NM_024740.2 (MANE Select); coding-DNA position 1109, G replaced by T.
Protein change: p.Arg370Ile; replaces arginine 370 with isoleucine.
Molecular consequence: missense variant. On other transcripts: non-coding transcript variant (1).
Genome position (GRCh38, 1-based): chr11:111,840,719, C>A on the plus strand (G>T on the coding strand, the complement: ALG9 is on the minus strand). VCF-style: chr11-111840719-C-A. GRCh37 (hg19) VCF-style: chr11-111711442-C-A.
Other names: c.1109G>T, p.Arg370Ile (NM_001077690.1, NM_001352417.1, NM_001441203.1 and 2 more transcripts); c.596G>T, p.Arg199Ile (NM_001077691.2, NM_001077692.2, NM_001352409.1 and 10 more transcripts); c.986G>T, p.Arg329Ile (NM_001352418.1, NM_001441206.1); c.521G>T, p.Arg174Ile (NM_001352422.2); c.473G>T, p.Arg158Ile (NM_001352423.2); short protein forms R158I, R174I, R199I, R329I, R370I.
Identifiers: ClinVar variation 4531711 (VCV004531711.1).